The following is an entry in ClinVar:

NM_000350.3(ABCA4):c.223T>C (p.Cys75Arg)

Gene: ABCA4 (ATP binding cassette subfamily A member 4; minus strand). Cytogenetic location: 1p22.1.
Variant type: single nucleotide variant.
Coding change: c.223T>C on transcript NM_000350.3 (MANE Select); coding-DNA position 223, T replaced by C.
Protein change: p.Cys75Arg; replaces cysteine 75 with arginine.
Molecular consequence: missense variant.
Genome position (GRCh38, 1-based): chr1:94,111,517, A>G on the plus strand (T>C on the coding strand, the complement: ABCA4 is on the minus strand). VCF-style: chr1-94111517-A-G. GRCh37 (hg19) VCF-style: chr1-94577073-A-G.
Other names: c.223T>C, p.Cys75Arg (NM_001425324.1); short protein forms C75R.
Identifiers: ClinVar variation 1054759 (VCV001054759.9), dbSNP rs61748526, ClinGen allele CA341285516.

ClinVar aggregate classification (germline): Likely pathogenic (1 of 4 stars; one submission).

gnomAD v4.1: 2 of 1,614,202 alleles (0.00012%); highest among the groups gnomAD compares: Non-Finnish European, 0.000085%; no homozygotes.

Submission:

Labcorp Genetics (formerly Invitae), Labcorp
Classification: Likely pathogenic. Last evaluated: 2021-03-26. Review status: criteria provided, single submitter. Criteria: Invitae Variant Classification Sherloc (09022015). Collection method: clinical testing. Allele origin: germline.
Comment: This variant has not been reported in the literature in individuals with ABCA4-related conditions. In summary, the currently available evidence indicates that the variant is pathogenic, but additional data are needed to prove that conclusively. Therefore, this variant has been classified as Likely Pathogenic. This variant disrupts the p.Cys75 amino acid residue in ABCA4. Other variant(s) that disrupt this residue have been determined to be pathogenic (PMID: 9973280, 30093795, 23982839). This suggests that this residue is clinically significant, and that variants that disrupt this residue are likely to be disease-causing. Advanced modeling of protein sequence and biophysical properties (such as structural, functional, and spatial information, amino acid conservation, physicochemical variation, residue mobility, and thermodynamic stability) performed at Invitae indicates that this missense variant is expected to disrupt ABCA4 protein function. This variant is not present in population databases (ExAC no frequency). This sequence change replaces cysteine with arginine at codon 75 of the ABCA4 protein (p.Cys75Arg). The cysteine residue is highly conserved and there is a large physicochemical difference between cysteine and arginine.

Literature cited by the submitters: PubMed 9973280; PubMed 30093795; PubMed 23982839.